The following is an entry in ClinVar:

ClinVar aggregate classification (germline): Pathogenic (1 of 4 stars; one submission).

Conditions:
Duchenne muscular dystrophy (DMD). Also called: MUSCULAR DYSTROPHY, PSEUDOHYPERTROPHIC PROGRESSIVE, DUCHENNE TYPE; Duchenne Muscular Dystrophy (DMD). Identifiers: Orphanet 98896, MedGen C0013264, MONDO:0010679, OMIM 310200.

Submission:

Labcorp Genetics (formerly Invitae), Labcorp
Classification: Pathogenic for Duchenne muscular dystrophy. Last evaluated: 2021-04-16. Review status: criteria provided, single submitter. Criteria: Invitae Variant Classification Sherloc (09022015). Collection method: clinical testing. Allele origin: germline.
Comment: For these reasons, this variant has been classified as Pathogenic. This variant has not been reported in the literature in individuals with DMD-related conditions. This variant is not present in population databases (ExAC no frequency). This sequence change creates a premature translational stop signal (p.Lys2858*) in the DMD gene. It is expected to result in an absent or disrupted protein product. Loss-of-function variants in DMD are known to be pathogenic (PMID: 16770791, 25007885).

Literature cited by the submitters: PubMed 16770791; PubMed 25007885.

NM_004006.3(DMD):c.8572A>T (p.Lys2858Ter)

Gene: DMD (dystrophin; minus strand). Cytogenetic location: Xp21.2.
Variant type: single nucleotide variant.
Coding change: c.8572A>T on transcript NM_004006.3 (MANE Select); coding-DNA position 8572, A replaced by T.
Protein change: p.Lys2858Ter; replaces lysine 2858 with a stop codon.
Molecular consequence: nonsense.
Genome position (GRCh38, 1-based): chrX:31,479,079, T>A on the plus strand (A>T on the coding strand, the complement: DMD is on the minus strand). VCF-style: chrX-31479079-T-A. GRCh37 (hg19) VCF-style: chrX-31497196-T-A.
Other names: c.8548A>T, p.Lys2850Ter (NM_000109.4); c.8560A>T, p.Lys2854Ter (NM_004009.3); c.8203A>T, p.Lys2735Ter (NM_004010.3); c.4549A>T, p.Lys1517Ter (NM_004011.4); c.4540A>T, p.Lys1514Ter (NM_004012.4); c.1192A>T, p.Lys398Ter (NM_004013.3, NM_004020.4, NM_004021.3 and 2 more transcripts); c.385A>T, p.Lys129Ter (NM_004014.3); short protein forms K2735*, K2854*, K2858*, K1514*, K2850*, K398*, K1517*, K129*.
Identifiers: ClinVar variation 1355682 (VCV001355682.6), dbSNP rs2149257421, ClinGen allele CA412654635.